The following is an entry in ClinVar:

NM_170707.4(LMNA):c.212G>T (p.Ser71Ile)

Gene: LMNA (lamin A/C; plus strand). Cytogenetic location: 1q22.
Variant type: single nucleotide variant.
Coding change: c.212G>T on transcript NM_170707.4 (MANE Select); coding-DNA position 212, G replaced by T.
Protein change: p.Ser71Ile; replaces serine 71 with isoleucine.
Molecular consequence: missense variant.
Genome position (GRCh38, 1-based): chr1:156,115,130, G>T. VCF-style: chr1-156115130-G-T. GRCh37 (hg19) VCF-style: chr1-156084921-G-T.
Other names: c.212G>T, p.Ser71Ile (NM_001282625.2, NM_001282626.2, NM_001406983.1 and 6 more transcripts); c.-212G>T (NM_001406986.1); c.-190G>T (NM_001406990.1, NM_001406995.1, NM_001407002.1); c.-453G>T (NM_001406994.1, NM_001407000.1); c.-633G>T (NM_001406999.1); c.-296G>T (NM_001407001.1); c.212G>T (NM_170707.3); short protein forms S71I.
Identifiers: ClinVar variation 1786377 (VCV001786377.10), dbSNP rs2527832739, ClinGen allele CA342808271.

ClinVar aggregate classification (germline): Uncertain significance. Review status: criteria provided, multiple submitters, no conflicts (2 of 4 stars). 5 submissions from 5 submitters: Uncertain significance (5). Last evaluated 2025-10-14.

Conditions:
Cardiomyopathy (CMYO). Also called: Cardiomyopathies. Identifiers: Orphanet 167848, MedGen C0878544, MONDO:0004994, HP:0001638. Inheritance: Various modes of inheritance.
Cardiovascular phenotype. Identifiers: MedGen CN230736.
Charcot-Marie-Tooth disease type 2. Also called: Charcot-Marie-Tooth type 2. Identifiers: Orphanet 64746, MedGen C0270914, MONDO:0018993.

Submissions (5):

Color Diagnostics, LLC DBA Color Health
Classification: Uncertain significance for Cardiomyopathy. Last evaluated: 2025-10-14. Review status: criteria provided, single submitter. Criteria: ACMG Guidelines, 2015. Collection method: clinical testing. Allele origin: germline.
Comment: This missense variant replaces serine with isoleucine at codon 71 of the LMNA protein. Computational prediction is inconclusive regarding the impact of this variant on protein structure and function. To our knowledge, functional studies have not been reported for this variant. This variant has been reported in an individual affected with cardiomyopathy and conduction defect (PMID: 31383942) and in an individual affected with idiopathic ventricular tachycardia (PMID: 33552729). This variant has not been identified in the general population by the Genome Aggregation Database (gnomAD). The available evidence is insufficient to determine the role of this variant in disease conclusively. Therefore, this variant is classified as a Variant of Uncertain Significance.

GeneDx
Classification: Uncertain significance. Last evaluated: 2024-04-16. Review status: criteria provided, single submitter. Criteria: GeneDx Variant Classification Process June 2021. Collection method: clinical testing. Allele origin: germline. Affected: yes.
Comment: Not observed at significant frequency in large population cohorts (gnomAD); In silico analysis supports that this missense variant has a deleterious effect on protein structure/function; Has not been previously published as pathogenic or benign to our knowledge; This variant is associated with the following publications: (PMID: 10939567, 31383942)

Labcorp Genetics (formerly Invitae), Labcorp
Classification: Uncertain significance for Charcot-Marie-Tooth disease type 2. Last evaluated: 2023-02-21. Review status: criteria provided, single submitter. Criteria: Invitae Variant Classification Sherloc (09022015). Collection method: clinical testing. Allele origin: germline.
Comment: In summary, the available evidence is currently insufficient to determine the role of this variant in disease. Therefore, it has been classified as a Variant of Uncertain Significance. Advanced modeling of protein sequence and biophysical properties (such as structural, functional, and spatial information, amino acid conservation, physicochemical variation, residue mobility, and thermodynamic stability) performed at Invitae indicates that this missense variant is expected to disrupt LMNA protein function. ClinVar contains an entry for this variant (Variation ID: 1786377). This missense change has been observed in individual(s) with clinical features of LMNA-related conditions (PMID: 31383942). This variant is not present in population databases (gnomAD no frequency). This sequence change replaces serine, which is neutral and polar, with isoleucine, which is neutral and non-polar, at codon 71 of the LMNA protein (p.Ser71Ile).

Women's Health and Genetics/Laboratory Corporation of America, LabCorp
Classification: Uncertain significance. Last evaluated: 2023-01-30. Review status: criteria provided, single submitter. Criteria: LabCorp Variant Classification Summary - May 2015. Collection method: clinical testing. Allele origin: germline.
Comment: Variant summary: LMNA c.212G>T (p.Ser71Ile) results in a non-conservative amino acid change located in the Intermediate filament, rod domain of the encoded protein sequence. Five of five in-silico tools predict a damaging effect of the variant on protein function. The variant was absent in 235094 control chromosomes. The available data on variant occurrences in the general population are insufficient to allow any conclusion about variant significance. c.212G>T has been reported in the literature in individuals affected with Cardiomyopathy or idiopathic Ventricular tachycardia. These reports do not provide unequivocal conclusions about association of the variant with Dilated Cardiomyopathy. To our knowledge, no experimental evidence demonstrating an impact on protein function has been reported. One clinical diagnostic laboratory has submitted clinical-significance assessments for this variant to ClinVar after 2014 without evidence for independent evaluation and classified the variant as uncertain significance. Based on the evidence outlined above, the variant was classified as uncertain significance.

Ambry Genetics
Classification: Uncertain significance for Cardiovascular phenotype. Last evaluated: 2020-09-23. Review status: criteria provided, single submitter. Criteria: Ambry Variant Classification Scheme 2023. Collection method: clinical testing. Allele origin: germline.
Comment: The p.S71I variant (also known as c.212G>T), located in coding exon 1 of the LMNA gene, results from a G to T substitution at nucleotide position 212. The serine at codon 71 is replaced by isoleucine, an amino acid with dissimilar properties. This variant was identified in an unselected cohort in an individual with cardiomyopathy and conduction defect based on electronic health record review; however, details were limited (Park J et al. Genet. Med., 2020 01;22:102-111). This amino acid position is not well conserved in available vertebrate species. In addition, the in silico prediction for this alteration is inconclusive. Since supporting evidence is limited at this time, the clinical significance of this alteration remains unclear.

Literature cited by the submitters: PubMed 31383942 (cited by 4 submitters); PubMed 33552729 (cited by Color Diagnostics, LLC DBA Color Health and Women's Health and Genetics/Laboratory Corporation of America, LabCorp).